The following is an entry in ClinVar:

NM_000057.4(BLM):c.2980A>G (p.Thr994Ala)

Gene: BLM (BLM RecQ like helicase; plus strand). Cytogenetic location: 15q26.1.
Variant type: single nucleotide variant.
Coding change: c.2980A>G on transcript NM_000057.4 (MANE Select); coding-DNA position 2980, A replaced by G.
Protein change: p.Thr994Ala; replaces threonine 994 with alanine.
Molecular consequence: missense variant.
Genome position (GRCh38, 1-based): chr15:90,790,805, A>G. VCF-style: chr15-90790805-A-G. GRCh37 (hg19) VCF-style: chr15-91334035-A-G.
Other names: c.2980A>G, p.Thr994Ala (NM_001287246.2, NM_001287247.2); c.1855A>G, p.Thr619Ala (NM_001287248.2); short protein forms T994A, T619A.
Identifiers: ClinVar variation 405274 (VCV000405274.9), dbSNP rs1060500632, ClinGen allele CA16614964.

ClinVar aggregate classification (germline): Uncertain significance (1 of 4 stars; one submission).

Conditions:
Bloom syndrome (BLM). Also called: Bloom-Torre-Machacek syndrome. Identifiers: Orphanet 125, MedGen C0005859, MONDO:0008876, OMIM 210900.

Submission:

Labcorp Genetics (formerly Invitae), Labcorp
Classification: Uncertain significance for Bloom syndrome. Last evaluated: 2018-05-01. Review status: criteria provided, single submitter. Criteria: Invitae Variant Classification Sherloc (09022015). Collection method: clinical testing. Allele origin: germline.
Comment: This variant has not been reported in the literature in individuals with BLM-related disease. ClinVar contains an entry for this variant (Variation ID: 405274). In summary, the available evidence is currently insufficient to determine the role of this variant in disease. Therefore, it has been classified as a Variant of Uncertain Significance. Algorithms developed to predict the effect of missense changes on protein structure and function do not agree on the potential impact of this missense change (SIFT: "Tolerated"; PolyPhen-2: "Benign"; Align-GVGD: "Class C0"). This variant is not present in population databases (ExAC no frequency). This sequence change replaces threonine with alanine at codon 994 of the BLM protein (p.Thr994Ala). The threonine residue is weakly conserved and there is a small physicochemical difference between threonine and alanine.